The following is an entry in ClinVar:

NM_005633.4(SOS1):c.1372G>C (p.Glu458Gln)

Gene: SOS1 (SOS Ras/Rac guanine nucleotide exchange factor 1; minus strand). Cytogenetic location: 2p22.1.
Variant type: single nucleotide variant.
Coding change: c.1372G>C on transcript NM_005633.4 (MANE Select); coding-DNA position 1372, G replaced by C.
Protein change: p.Glu458Gln; replaces glutamic acid 458 with glutamine.
Molecular consequence: missense variant.
Genome position (GRCh38, 1-based): chr2:39,023,056, C>G on the plus strand (G>C on the coding strand, the complement: SOS1 is on the minus strand). VCF-style: chr2-39023056-C-G. GRCh37 (hg19) VCF-style: chr2-39250197-C-G.
Other names: c.1351G>C, p.Glu451Gln (NM_001382394.1); c.1372G>C, p.Glu458Gln (NM_001382395.1); short protein forms E451Q, E458Q.
Identifiers: ClinVar variation 3641652 (VCV003641652.2).

ClinVar aggregate classification (germline): Uncertain significance (1 of 4 stars; one submission).

Conditions:
RASopathy. Also called: Noonan spectrum disorder; rasopathies. Identifiers: Orphanet 536391, MedGen C5555857, MONDO:0021060.

Submission:

Labcorp Genetics (formerly Invitae), Labcorp
Classification: Uncertain significance for RASopathy. Last evaluated: 2024-02-26. Review status: criteria provided, single submitter. Criteria: Invitae Variant Classification Sherloc (09022015). Collection method: clinical testing. Allele origin: germline.
Comment: This sequence change replaces glutamic acid, which is acidic and polar, with glutamine, which is neutral and polar, at codon 458 of the SOS1 protein (p.Glu458Gln). This variant is not present in population databases (gnomAD no frequency). This variant has not been reported in the literature in individuals affected with SOS1-related conditions. Advanced modeling of protein sequence and biophysical properties (such as structural, functional, and spatial information, amino acid conservation, physicochemical variation, residue mobility, and thermodynamic stability) performed at Invitae indicates that this missense variant is expected to disrupt SOS1 protein function with a positive predictive value of 95%. In summary, the available evidence is currently insufficient to determine the role of this variant in disease. Therefore, it has been classified as a Variant of Uncertain Significance.